The following is an entry in ClinVar:

NM_001277115.2(DNAH11):c.8177A>G (p.Glu2726Gly)

Gene: DNAH11 (dynein axonemal heavy chain 11; plus strand). Cytogenetic location: 7p15.3.
Variant type: single nucleotide variant.
Coding change: c.8177A>G on transcript NM_001277115.2 (MANE Select); coding-DNA position 8177, A replaced by G.
Protein change: p.Glu2726Gly; replaces glutamic acid 2726 with glycine.
Molecular consequence: missense variant.
Genome position (GRCh38, 1-based): chr7:21,744,460, A>G. VCF-style: chr7-21744460-A-G. GRCh37 (hg19) VCF-style: chr7-21784078-A-G.
Other names: c.8198A>G, p.Glu2733Gly (NM_003777.3); short protein forms E2726G, E2733G.
Identifiers: ClinVar variation 2587900 (VCV002587900.2), dbSNP rs1786054372, ClinGen allele CA366953540.
Genomic context (GRCh38, chr7:21,744,460, plus strand): 5'-TCTGAATTAAAGGTATTTTCCCCATTCTTGCCTTGTAGGGGATTTTATTTGCTTCTCCTG[A>G]GTGTTTAAAAGGTCCACTTGATTTAATACATCTGTGGCTTCATGAATCTGCCCGTGTTTA-3'
Protein context (NP_001264044.1, residues 2716-2736): VFQGILFASP[Glu2726Gly]CLKGPLDLIH

ClinVar aggregate classification (germline): Uncertain significance (1 of 4 stars; one submission).

Conditions:
Primary ciliary dyskinesia. Also called: Ciliary dyskinesia. Identifiers: Orphanet 244, MedGen C0008780, MONDO:0016575, HP:0012265.

Submission:

Ambry Genetics
Classification: Uncertain significance for Primary ciliary dyskinesia. Last evaluated: 2023-06-22. Review status: criteria provided, single submitter. Criteria: Ambry Variant Classification Scheme 2023. Collection method: clinical testing. Allele origin: germline.
Comment: The p.E2726G variant (also known as c.8177A>G), located in coding exon 50 of the DNAH11 gene, results from an A to G substitution at nucleotide position 8177. The glutamic acid at codon 2726 is replaced by glycine, an amino acid with similar properties. This amino acid position is conserved. In addition, this alteration is predicted to be tolerated by in silico analysis. Since supporting evidence is limited at this time, the clinical significance of this alteration remains unclear.